The following is an entry in ClinVar:

NM_002472.3(MYH8):c.1548T>C (p.Phe516=)

Genes: MYH8 (myosin heavy chain 8; minus strand), MYHAS (myosin heavy chain gene cluster antisense RNA; plus strand). Cytogenetic location: 17p13.1.
Variant type: single nucleotide variant.
Coding change: c.1548T>C on transcript NM_002472.3 (MANE Select); coding-DNA position 1548, T replaced by C.
Protein change: p.Phe516=; no amino-acid change (phenylalanine 516 retained).
Molecular consequence: synonymous variant.
Genome position (GRCh38, 1-based): chr17:10,410,816, A>G on the plus strand (T>C on the coding strand, the complement: MYH8 is on the minus strand). VCF-style: chr17-10410816-A-G. GRCh37 (hg19) VCF-style: chr17-10314133-A-G.
Identifiers: ClinVar variation 2647473 (VCV002647473.24), dbSNP rs2508071671, ClinGen allele CA497842513.

ClinVar aggregate classification (germline): Likely benign (1 of 4 stars; one submission).

Submission:

CeGaT Center for Human Genetics Tuebingen
Classification: Likely benign. Last evaluated: 2022-04-01. Review status: criteria provided, single submitter. Criteria: CeGaT Center For Human Genetics Tuebingen Variant Classification Criteria Version 2. Collection method: clinical testing. Allele origin: germline. Affected: yes. Observed: 1 variant allele.
Comment: MYH8: PM2:Supporting, BP4, BP7